The following is an entry in ClinVar:

NM_032119.4(ADGRV1):c.192del (p.Thr65fs)

Gene: ADGRV1 (adhesion G protein-coupled receptor V1; plus strand). Cytogenetic location: 5q14.3.
Variant type: Deletion.
Coding change: c.192del on transcript NM_032119.4 (MANE Select); coding-DNA position 192, one base deleted (T; older notation c.192delT).
Protein change: p.Thr65fs; shifts the reading frame from threonine 65.
Molecular consequence: frameshift variant. On other transcripts: non-coding transcript variant (1).
Genome position (GRCh38, 1-based): chr5:90,615,004, T deleted; the last of 2 consecutive T bases (chr5:90,615,003-90,615,004); deleting either gives the same sequence. VCF-style (leftmost placement, unchanged base first): chr5-90615002-GT-G. GRCh37 (hg19) VCF-style: chr5-89910819-GT-G.
Other names: short protein forms T65fs.
Identifiers: ClinVar variation 2030509 (VCV002030509.4), dbSNP rs2531679165, ClinGen allele CA2580073717.

ClinVar aggregate classification (germline): Pathogenic (1 of 4 stars; one submission).

Submission:

Labcorp Genetics (formerly Invitae), Labcorp
Classification: Pathogenic. Last evaluated: 2022-09-14. Review status: criteria provided, single submitter. Criteria: Invitae Variant Classification Sherloc (09022015). Collection method: clinical testing. Allele origin: germline.
Comment: This variant is not present in population databases (gnomAD no frequency). For these reasons, this variant has been classified as Pathogenic. This variant has not been reported in the literature in individuals affected with ADGRV1-related conditions. This sequence change creates a premature translational stop signal (p.Thr65Leufs*34) in the ADGRV1 gene. It is expected to result in an absent or disrupted protein product. Loss-of-function variants in ADGRV1 are known to be pathogenic (PMID: 19357117, 22135276, 22147658, 26226137, 30718709, 31047384, 32467589).

Literature cited by the submitters: PubMed 19357117; PubMed 22135276; PubMed 22147658; PubMed 26226137; PubMed 30718709; PubMed 31047384; PubMed 32467589.